The following is an entry in ClinVar:

NM_004086.3(COCH):c.496A>G (p.Ile166Val)

Genes: COCH (cochlin; plus strand), COCH-AS1 (COCH antisense RNA 1; minus strand). Cytogenetic location: 14q12.
Variant type: single nucleotide variant.
Coding change: c.496A>G on transcript NM_004086.3 (MANE Select); coding-DNA position 496, A replaced by G.
Protein change: p.Ile166Val; replaces isoleucine 166 with valine.
Molecular consequence: missense variant.
Genome position (GRCh38, 1-based): chr14:30,880,601, A>G. VCF-style: chr14-30880601-A-G. GRCh37 (hg19) VCF-style: chr14-31349807-A-G.
Other names: c.496A>G, p.Ile166Val (NM_001135058.2); c.691A>G, p.Ile231Val (NM_001347720.2); short protein forms I231V, I166V.
Identifiers: ClinVar variation 1901437 (VCV001901437.5), dbSNP rs771810191, ClinGen allele CA7143075.

ClinVar aggregate classification (germline): Uncertain significance (1 of 4 stars; one submission).

Allele frequency attached by ClinVar (database versions not stated): ExAC 0.00002; gnomAD exomes 0.00002; gnomAD 0.00007; TOPMed 0.00008.
gnomAD v4.1: 37 of 1,614,044 alleles (0.0023%); highest among the groups gnomAD compares: Admixed American, 0.037%; no homozygotes.

Submission:

Labcorp Genetics (formerly Invitae), Labcorp
Classification: Uncertain significance. Last evaluated: 2025-07-22. Review status: criteria provided, single submitter. Criteria: Invitae Variant Classification Sherloc (09022015). Collection method: clinical testing. Allele origin: germline.
Comment: This sequence change replaces isoleucine, which is neutral and non-polar, with valine, which is neutral and non-polar, at codon 166 of the COCH protein (p.Ile166Val). This variant is present in population databases (rs771810191, gnomAD 0.02%). This variant has not been reported in the literature in individuals affected with COCH-related conditions. ClinVar contains an entry for this variant (Variation ID: 1901437). Invitae Evidence Modeling of protein sequence and biophysical properties (such as structural, functional, and spatial information, amino acid conservation, physicochemical variation, residue mobility, and thermodynamic stability) indicates that this missense variant is not expected to disrupt COCH protein function with a negative predictive value of 95%. In summary, the available evidence is currently insufficient to determine the role of this variant in disease. Therefore, it has been classified as a Variant of Uncertain Significance.